The following is an entry in ClinVar:

NM_182493.3(MYLK3):c.2115-8T>C

Gene: MYLK3 (myosin light chain kinase 3; minus strand). Cytogenetic location: 16q11.2.
Variant type: single nucleotide variant.
Coding change: c.2115-8T>C on transcript NM_182493.3 (MANE Select); 8 bases into the intron before coding-DNA position 2115, T replaced by C.
Molecular consequence: intron variant.
Genome position (GRCh38, 1-based): chr16:46,710,797, A>G on the plus strand (T>C on the coding strand, the complement: MYLK3 is on the minus strand). VCF-style: chr16-46710797-A-G. GRCh37 (hg19) VCF-style: chr16-46744709-A-G.
Other names: p.?; c.1092-8T>C (NM_001308301.1).
Identifiers: ClinVar variation 1599282 (VCV001599282.9), dbSNP rs114652511, ClinGen allele CA8037710.

ClinVar aggregate classification (germline): Benign. Review status: criteria provided, multiple submitters, no conflicts (2 of 4 stars). 2 submissions from 2 submitters: Benign (2). Last evaluated 2026-02-01.

Allele frequency attached by ClinVar (database versions not stated): gnomAD exomes 0.00042 and 0.00123; ExAC 0.00157; gnomAD 0.00482 and 0.00506; TOPMed 0.00558; ESP Exome Variant Server 0.00561; 1000 Genomes Project 0.00599; 1000 Genomes Project 30x 0.00640.
gnomAD v4.1: 1,382 of 1,614,060 alleles (0.086%); highest among the groups gnomAD compares: African/African-American, 1.7%; 12 homozygotes.

Submissions (2):

Labcorp Genetics (formerly Invitae), Labcorp
Classification: Benign. Last evaluated: 2026-02-01. Review status: criteria provided, single submitter. Criteria: Invitae Variant Classification Sherloc (09022015). Collection method: clinical testing. Allele origin: germline.

Mayo Clinic Laboratories, Mayo Clinic
Classification: Benign. Last evaluated: 2025-11-12. Review status: criteria provided, single submitter. Criteria: ACMG Guidelines, 2015. Collection method: clinical testing. Allele origin: germline. Observed: 2 variant alleles.
Comment: BS1, BS2, BP4, BP7